The following is an entry in ClinVar:

ClinVar aggregate classification (germline): Pathogenic. Review status: criteria provided, multiple submitters, no conflicts (2 of 4 stars). 3 submissions from 3 submitters: Pathogenic (3). Last evaluated 2024-02-26.

Conditions:
Familial X-linked hypophosphatemic vitamin D refractory rickets (XLHRD). Also called: X-Linked Hypophosphatemia; Hypophosphatemic Rickets, X-Linked Dominant; HYPOPHOSPHATEMIC VITAMIN D-RESISTANT RICKETS; Hypophosphatemia, vitamin D-resistant rickets; Vitamin D-resistant rickets, X-linked. Identifiers: Orphanet 89936, MedGen C0733682, MONDO:0010619, OMIM 307800.

Submissions (3):

Women's Health and Genetics/Laboratory Corporation of America, LabCorp
Classification: Pathogenic for Familial X-linked hypophosphatemic vitamin D refractory rickets. Last evaluated: 2024-02-26. Review status: criteria provided, single submitter. Criteria: LabCorp Variant Classification Summary - May 2015. Collection method: clinical testing. Allele origin: germline.
Comment: Variant summary: PHEX c.1044delA (p.Asp349IlefsX6) results in a premature termination codon, predicted to cause absence of the protein due to nonsense mediated decay, which is a commonly known mechanism for disease. The variant was absent in 183389 control chromosomes (gnomAD). c.1044delA has been reported in the literature in individuals affected with X-Linked Hypophosphatemic Rickets (e.g. Tyynismaa_2000, Fratzl-Zelman_2020). The following publications have been ascertained in the context of this evaluation (PMID: 10737991, 32619592). ClinVar contains an entry for this variant (Variation ID: 438508). Based on the evidence outlined above, the variant was classified as pathogenic.

Mendelics
Classification: Pathogenic for Familial X-linked hypophosphatemic vitamin D refractory rickets. Last evaluated: 2019-05-28. Review status: criteria provided, single submitter. Criteria: Mendelics Assertion Criteria 2017. Collection method: clinical testing. Allele origin: unknown.

Institute of Human Genetics Munich, TUM University Hospital
Classification: Pathogenic for Familial X-linked hypophosphatemic vitamin D refractory rickets. Last evaluated: 2017-08-31. Review status: criteria provided, single submitter. Criteria: Classification criteria August 2017. Collection method: clinical testing. Allele origin: germline. Inheritance: X-linked inheritance. Affected: yes. Observed: 1 heterozygote, 1 hemizygote.

Literature cited by the submitters: PubMed 10737991 (cited by Women's Health and Genetics/Laboratory Corporation of America, LabCorp); PubMed 32619592 (cited by Women's Health and Genetics/Laboratory Corporation of America, LabCorp).

NM_000444.6(PHEX):c.1044del (p.Asp349fs)

Gene: PHEX (phosphate regulating endopeptidase X-linked; plus strand). Cytogenetic location: Xp22.11.
Variant type: Deletion.
Coding change: c.1044del on transcript NM_000444.6 (MANE Select); coding-DNA position 1044, one base deleted (A; older notation c.1044delA).
Protein change: p.Asp349fs; shifts the reading frame from aspartic acid 349.
Genome position (GRCh38, 1-based): chrX:22,099,116, A deleted; the last of 3 consecutive A bases (chrX:22,099,114-22,099,116); deleting any one gives the same sequence. VCF-style (leftmost placement, unchanged base first): chrX-22099113-TA-T. GRCh37 (hg19) VCF-style: chrX-22117231-TA-T.
Other names: c.1044del, p.Asp349fs (NM_001282754.2); c.1044delA (NM_000444.6); short protein forms D349fs.
Identifiers: ClinVar variation 438508 (VCV000438508.6), dbSNP rs1556026042, ClinGen allele CA645509378.